The following is an entry in ClinVar:

NM_024675.4(PALB2):c.3492G>T (p.Trp1164Cys)

Gene: PALB2 (partner and localizer of BRCA2; minus strand). Cytogenetic location: 16p12.2.
Variant type: single nucleotide variant.
Coding change: c.3492G>T on transcript NM_024675.4 (MANE Select); coding-DNA position 3492, G replaced by T.
Protein change: p.Trp1164Cys; replaces tryptophan 1164 with cysteine.
Molecular consequence: missense variant.
Genome position (GRCh38, 1-based): chr16:23,603,528, C>A on the plus strand (G>T on the coding strand, the complement: PALB2 is on the minus strand). VCF-style: chr16-23603528-C-A. GRCh37 (hg19) VCF-style: chr16-23614849-C-A.
Other names: short protein forms W1164C.
Identifiers: ClinVar variation 142079 (VCV000142079.26), dbSNP rs587782217, ClinGen allele CA167348.

ClinVar aggregate classification (germline): Conflicting classifications of pathogenicity. Review status: criteria provided, conflicting classifications (1 of 4 stars). 8 submissions from 8 submitters: Uncertain significance (6); Likely benign (1). 1 of the submissions does not count toward it. Last evaluated 2025-10-01.

Conditions:
Breast-ovarian cancer, familial, susceptibility to, 5 (BROVCA5). Identifiers: MedGen C5830615, MONDO:0957530, OMIM 620442.
Hereditary cancer-predisposing syndrome. Also called: Neoplastic Syndromes, Hereditary; Tumor predisposition; Hereditary Cancer Syndrome; Hereditary neoplastic syndrome. Identifiers: Orphanet 140162, MedGen C0027672, MeSH D009386, MONDO:0015356.
Familial cancer of breast. Also called: BREAST CANCER, FAMILIAL; Hereditary breast cancer; hereditary breast carcinoma. Identifiers: Orphanet 227535, MedGen C0346153, MONDO:0016419, OMIM 114480. Disease mechanism: loss of function.

Allele frequency attached by ClinVar (database versions not stated): gnomAD 0.00001; gnomAD exomes 0.00001 and 0.00003; TOPMed 0.00001; ExAC 0.00003.
gnomAD v4.1: 22 of 1,613,922 alleles (0.0014%); highest among the groups gnomAD compares: South Asian, 0.023%; no homozygotes.

Submissions (8):

Labcorp Genetics (formerly Invitae), Labcorp
Classification: Uncertain significance for Familial cancer of breast. Last evaluated: 2025-10-01. Review status: criteria provided, single submitter. Criteria: Invitae Variant Classification Sherloc (09022015). Collection method: clinical testing. Allele origin: germline.
Comment: This sequence change replaces tryptophan, which is neutral and slightly polar, with cysteine, which is neutral and slightly polar, at codon 1164 of the PALB2 protein (p.Trp1164Cys). This variant is present in population databases (rs587782217, gnomAD 0.02%). This missense change has been observed in individual(s) with ovarian cancer (PMID: 26315354). ClinVar contains an entry for this variant (Variation ID: 142079). An algorithm developed to predict the effect of missense changes on protein structure and function (PolyPhen-2) suggests that this variant is likely to be disruptive. Experimental studies have shown that this missense change does not substantially affect PALB2 function (PMID: 31636395, 31757951). In summary, the available evidence is currently insufficient to determine the role of this variant in disease. Therefore, it has been classified as a Variant of Uncertain Significance.

Quest Diagnostics Nichols Institute San Juan Capistrano
Classification: Uncertain significance. Last evaluated: 2025-07-08. Review status: criteria provided, single submitter. Criteria: Quest Diagnostics criteria. Collection method: clinical testing. Allele origin: unknown.
Comment: The PALB2 c.3492G>T (p.Trp1164Cys) variant has been reported in the published literature in an individual with ovarian cancer (PMID: 26315354 (2015)). In a large-scale breast cancer association study, this variant has been observed in a reportedly unaffected individual (PMID: 33471991 (2021), see also LOVD). This variant has been reported as non-damaging in published functional studies assessing Homology-directed repair (HDR) function of PALB2 (PMID: 31757951 (2019) and 31636395 (2020)). The frequency of this variant in the general population (Genome Aggregation Database) is uninformative in the assessment of its pathogenicity. Analysis of this variant using bioinformatics tools for the prediction of the effect of amino acid changes on protein structure and function yielded predictions that this variant is damaging. Based on the available information, we are unable to determine the clinical significance of this variant.

GeneDx
Classification: Uncertain significance. Last evaluated: 2025-06-09. Review status: criteria provided, single submitter. Criteria: GeneDx Variant Classification Process June 2021. Collection method: clinical testing. Allele origin: germline. Affected: yes.
Comment: In silico analysis supports that this missense variant has a deleterious effect on protein structure/function; Observed in individuals with ovarian cancer (PMID: 26315354); Published functional do not demonstrate a damaging effect on homologous recombination (PMID: 31757951, 31636395); This variant is associated with the following publications: (PMID: 31757951, 31636395, 26315354, 19609323, 20871615, 24485656)

KCCC/NGS Laboratory, Kuwait Cancer Control Center
Classification: Uncertain significance for Breast-ovarian cancer, familial, susceptibility to, 5. Last evaluated: 2024-05-14. Review status: criteria provided, single submitter. Criteria: ACMG Guidelines, 2015. Collection method: clinical testing. Allele origin: germline. Inheritance: Autosomal dominant inheritance. Affected: yes. Observed: 1 heterozygote.
Comment: This sequence change replaces tryptophan, which is neutral and slightly polar, with cysteine, which is neutral and slightly polar, at codon 1164 of the PALB2 protein (p.Trp1164Cys). This variant is present in population databases (rs587782217, gnomAD 0.02%). This missense change has been observed in individual(s) with ovarian cancer (PMID: 31757951, 31636395, 26315354, 19609323, 20871615, 24485656). ClinVar contains an entry for this variant (Variation ID: 142079).Computational prediction suggests that this variant may not impact protein structure and function (PMID: 27666373). Functional studies have shown that this variant does not affect homologydirected DNA repair activity of the PALB2 protein (PMID: 31636395, 31757951). In summary, the available evidence is currently insufficient to determine the role of this variant in disease. Therefore, it has been classified as a Variant of Uncertain Significance

Color Diagnostics, LLC DBA Color Health
Classification: Uncertain significance for Hereditary cancer-predisposing syndrome. Last evaluated: 2024-01-02. Review status: criteria provided, single submitter. Criteria: ACMG Guidelines, 2015. Collection method: clinical testing. Allele origin: germline.
Comment: This missense variant replaces tryptophan with cysteine at codon 1164 of the PALB2 protein. Computational prediction suggests that this variant may not impact protein structure and function (internally defined REVEL score threshold <= 0.5, PMID: 27666373). Functional studies have shown that this variant does not affect homology-directed DNA repair activity of the PALB2 protein (PMID: 31636395, 31757951). This variant has been reported in an individual affected with ovarian cancer (PMID: 26315354) and in a breast cancer case-control meta-analysis in 0/60466 cases and 1/53461 unaffected individuals (PMID: 33471991; Leiden Open Variation Database DB-ID PALB2_010659). This variant has been identified in 7/251482 chromosomes in the general population by the Genome Aggregation Database (gnomAD). The available evidence is insufficient to determine the role of this variant in disease conclusively. Therefore, this variant is classified as a Variant of Uncertain Significance.

Ambry Genetics
Classification: Likely benign for Hereditary cancer-predisposing syndrome. Last evaluated: 2023-11-15. Review status: criteria provided, single submitter. Criteria: Ambry Variant Classification Scheme 2023. Collection method: clinical testing. Allele origin: germline.

Myriad Genetics, Inc.
Classification: Uncertain significance for Familial cancer of breast. Last evaluated: 2023-03-31. Review status: criteria provided, single submitter. Criteria: Myriad Autosomal Dominant, Autosomal Recessive and X-Linked Classification Criteria (2023). Collection method: clinical testing. Allele origin: unknown.
Comment: This variant is classified as a variant of uncertain significance as there is insufficient evidence to determine its impact on protein function and/or cancer risk.

Counsyl
Classification: Uncertain significance for Familial cancer of breast. Last evaluated: 2016-07-21. Review status: no assertion criteria provided. Collection method: clinical testing. Allele origin: unknown. Not counted in ClinVar's aggregate classification.

Literature cited by the submitters: PubMed 26315354 (cited by 5 submitters); PubMed 31636395 (cited by 4 submitters); PubMed 31757951 (cited by 3 submitters); PubMed 33471991 (cited by Quest Diagnostics Nichols Institute San Juan Capistrano and Color Diagnostics, LLC DBA Color Health).